The following is an entry in ClinVar:

ClinVar aggregate classification (germline): Uncertain significance (1 of 4 stars; one submission).

Submission:

CeGaT Center for Human Genetics Tuebingen
Classification: Uncertain significance. Last evaluated: 2023-02-01. Review status: criteria provided, single submitter. Criteria: CeGaT Center For Human Genetics Tuebingen Variant Classification Criteria Version 2. Collection method: clinical testing. Allele origin: germline. Affected: yes. Observed: 1 variant allele.
Comment: GMNN: PM2, BP4

NM_015895.5(GMNN):c.495T>G (p.Asn165Lys)

Gene: GMNN (geminin DNA replication inhibitor; plus strand). Cytogenetic location: 6p22.3.
Variant type: single nucleotide variant.
Coding change: c.495T>G on transcript NM_015895.5 (MANE Select); coding-DNA position 495, T replaced by G.
Protein change: p.Asn165Lys; replaces asparagine 165 with lysine.
Molecular consequence: missense variant.
Genome position (GRCh38, 1-based): chr6:24,785,664, T>G. VCF-style: chr6-24785664-T-G. GRCh37 (hg19) VCF-style: chr6-24785892-T-G.
Other names: c.495T>G, p.Asn165Lys (NM_001251989.2, NM_001251990.2, NM_001251991.1); short protein forms N165K.
Identifiers: ClinVar variation 2656288 (VCV002656288.24), dbSNP rs2532447424, ClinGen allele CA362991711.